The following is an entry in ClinVar:

NM_206943.4(LTBP1):c.241T>C (p.Ser81Pro)

Gene: LTBP1 (latent transforming growth factor beta binding protein 1; plus strand). Cytogenetic location: 2p22.3.
Variant type: single nucleotide variant.
Coding change: c.241T>C on transcript NM_206943.4 (MANE Select); coding-DNA position 241, T replaced by C.
Protein change: p.Ser81Pro; replaces serine 81 with proline.
Molecular consequence: missense variant.
Genome position (GRCh38, 1-based): chr2:32,947,565, T>C. VCF-style: chr2-32947565-T-C. GRCh37 (hg19) VCF-style: chr2-33172632-T-C.
Other names: c.241T>C, p.Ser81Pro (NM_001394905.1); short protein forms S81P.
Identifiers: ClinVar variation 4988427 (VCV004988427.1).

ClinVar aggregate classification (germline): Uncertain significance (1 of 4 stars; one submission).

Conditions:
LTBP1-related disorder. Also called: LTBP1-related condition.

gnomAD v4.1: 13 of 1,347,666 alleles (0.00096%); highest among the groups gnomAD compares: Non-Finnish European, 0.0011%; no homozygotes.

Submission:

PreventionGenetics, part of Exact Sciences
Classification: Uncertain significance for LTBP1-related condition. Last evaluated: 2026-06-25. Review status: criteria provided, single submitter. Criteria: ACMG Guidelines, 2015. Collection method: clinical testing. Allele origin: germline.
Comment: The LTBP1 c.241T>C variant is predicted to result in the amino acid substitution p.Ser81Pro. To our knowledge, this variant has not been reported in the literature. This variant is reported in 0.0041% of alleles in individuals of European (Non-Finnish) descent in gnomAD. At this time, the clinical significance of this variant is uncertain due to the absence of conclusive functional and genetic evidence.